The following is an entry in ClinVar:

ClinVar aggregate classification (germline): Uncertain significance (1 of 4 stars; one submission).

Conditions:
Distal myopathy with posterior leg and anterior hand involvement. Also called: WILLIAMS DISTAL MYOPATHY. Identifiers: Orphanet 63273, MedGen C3279722, MONDO:0013550, OMIM 614065.
Myofibrillar myopathy 5. Also called: Filaminopathy (type); FILAMINOPATHY, AUTOSOMAL DOMINANT. Identifiers: Orphanet 171445, MedGen C1836050, MONDO:0012289, OMIM 609524.
Hypertrophic cardiomyopathy 26. Also called: Cardiomyopathy, familial hypertrophic, 26. Identifiers: Orphanet 75249, MedGen C4310749, MONDO:0014883, OMIM 617047.

Submission:

Labcorp Genetics (formerly Invitae), Labcorp
Classification: Uncertain significance for Distal myopathy with posterior leg and anterior hand involvement; Myofibrillar myopathy 5; Hypertrophic cardiomyopathy 26. Last evaluated: 2017-11-02. Review status: criteria provided, single submitter. Criteria: Invitae Variant Classification Sherloc (09022015). Collection method: clinical testing. Allele origin: germline.
Comment: In summary, the available evidence is currently insufficient to determine the role of this variant in disease. Therefore, it has been classified as a Variant of Uncertain Significance. Algorithms developed to predict the effect of missense changes on protein structure and function (SIFT, PolyPhen-2, Align-GVGD) all suggest that this variant is likely to be tolerated, but these predictions have not been confirmed by published functional studies and their clinical significance is uncertain. This variant has not been reported in the literature in individuals with FLNC-related disease. This variant is not present in population databases (ExAC no frequency). This sequence change replaces cysteine with serine at codon 2154 of the FLNC protein (p.Cys2154Ser). The cysteine residue is highly conserved and there is a moderate physicochemical difference between cysteine and serine.

NM_001458.5(FLNC):c.6460T>A (p.Cys2154Ser)

Genes: FLNC (filamin C; plus strand), FLNC-AS1 (FLNC antisense RNA 1; minus strand). Cytogenetic location: 7q32.1.
Variant type: single nucleotide variant.
Coding change: c.6460T>A on transcript NM_001458.5 (MANE Select); coding-DNA position 6460, T replaced by A.
Protein change: p.Cys2154Ser; replaces cysteine 2154 with serine.
Molecular consequence: missense variant.
Genome position (GRCh38, 1-based): chr7:128,853,813, T>A. VCF-style: chr7-128853813-T-A. GRCh37 (hg19) VCF-style: chr7-128493867-T-A.
Other names: c.6361T>A, p.Cys2121Ser (NM_001127487.2); short protein forms C2154S, C2121S.
Identifiers: ClinVar variation 539403 (VCV000539403.9), dbSNP rs1554401153, ClinGen allele CA369212589.